The following is an entry in ClinVar:

NM_020338.4(ZMIZ1):c.693G>A (p.Gln231=)

Gene: ZMIZ1 (zinc finger MIZ-type containing 1; plus strand). Cytogenetic location: 10q22.3.
Variant type: single nucleotide variant.
Coding change: c.693G>A on transcript NM_020338.4 (MANE Select); coding-DNA position 693, G replaced by A.
Protein change: p.Gln231=; no amino-acid change (glutamine 231 retained).
Molecular consequence: synonymous variant.
Genome position (GRCh38, 1-based): chr10:79,291,111, G>A. VCF-style: chr10-79291111-G-A. GRCh37 (hg19) VCF-style: chr10-81050868-G-A.
Identifiers: ClinVar variation 3029726 (VCV003029726.2), dbSNP rs779494498, ClinGen allele CA5572416.

ClinVar aggregate classification (germline): Likely benign (0 of 4 stars; one submission).

Conditions:
ZMIZ1-related disorder. Also called: ZMIZ1-related condition.

Allele frequency attached by ClinVar (database versions not stated): gnomAD exomes below 0.00001; ExAC 0.00001.
gnomAD v4.1: 2 of 1,614,202 alleles (0.00012%); highest among the groups gnomAD compares: Admixed American, 0.0017%; no homozygotes.

Submission:

PreventionGenetics, part of Exact Sciences
Classification: Likely benign for ZMIZ1-related condition. Last evaluated: 2022-01-17. Review status: no assertion criteria provided. Collection method: clinical testing. Allele origin: germline.
Comment: This variant is classified as likely benign based on ACMG/AMP sequence variant interpretation guidelines (Richards et al. 2015 PMID: 25741868, with internal and published modifications).